The following is an entry in ClinVar:

NM_005236.3(ERCC4):c.856C>T (p.Gln286Ter)

Gene: ERCC4 (ERCC excision repair 4, endonuclease catalytic subunit; plus strand). Cytogenetic location: 16p13.12.
Variant type: single nucleotide variant.
Coding change: c.856C>T on transcript NM_005236.3 (MANE Select); coding-DNA position 856, C replaced by T.
Protein change: p.Gln286Ter; replaces glutamine 286 with a stop codon.
Molecular consequence: nonsense.
Genome position (GRCh38, 1-based): chr16:13,930,773, C>T. VCF-style: chr16-13930773-C-T. GRCh37 (hg19) VCF-style: chr16-14024630-C-T.
Other names: short protein forms Q286*.
Identifiers: ClinVar variation 2927079 (VCV002927079.3), dbSNP rs750971687, ClinGen allele CA7910293.

ClinVar aggregate classification (germline): Pathogenic (1 of 4 stars; one submission).

Conditions:
Xeroderma pigmentosum, group F (XPF). Also called: ERCC4-Related Xeroderma Pigmentosum; XERODERMA PIGMENTOSUM, COMPLEMENTATION GROUP F; XERODERMA PIGMENTOSUM VI; XP, GROUP F; XERODERMA PIGMENTOSUM, TYPE F; Xeroderma pigmentosum, type 6. Identifiers: MedGen C0268140, MONDO:0010215, OMIM 278760.
Fanconi anemia complementation group Q. Identifiers: Orphanet 84, MedGen C3808988, MONDO:0014108, OMIM 615272.
Cockayne syndrome. Identifiers: Orphanet 191, MedGen C0009207, MONDO:0016006.

Allele frequency attached by ClinVar (database versions not stated): gnomAD exomes below 0.00001; TOPMed below 0.00001; ExAC 0.00001.
gnomAD v4.1: 2 of 1,610,734 alleles (0.00012%); highest among the groups gnomAD compares: South Asian, 0.0011%; no homozygotes.

Submission:

Labcorp Genetics (formerly Invitae), Labcorp
Classification: Pathogenic for Fanconi anemia complementation group Q; Xeroderma pigmentosum, group F; Cockayne syndrome. Last evaluated: 2023-11-07. Review status: criteria provided, single submitter. Criteria: Invitae Variant Classification Sherloc (09022015). Collection method: clinical testing. Allele origin: germline.
Comment: This sequence change creates a premature translational stop signal (p.Gln286*) in the ERCC4 gene. It is expected to result in an absent or disrupted protein product. Loss-of-function variants in ERCC4 are known to be pathogenic (PMID: 9580660). This variant is present in population databases (rs750971687, gnomAD 0.003%). This variant has not been reported in the literature in individuals affected with ERCC4-related conditions. For these reasons, this variant has been classified as Pathogenic.

Literature cited by the submitters: PubMed 9580660.